The following is an entry in ClinVar:

NM_005428.4(VAV1):c.1615A>G (p.Thr539Ala)

Gene: VAV1 (vav guanine nucleotide exchange factor 1; plus strand). Cytogenetic location: 19p13.3.
Variant type: single nucleotide variant.
Coding change: c.1615A>G on transcript NM_005428.4 (MANE Select); coding-DNA position 1615, A replaced by G.
Protein change: p.Thr539Ala; replaces threonine 539 with alanine.
Molecular consequence: missense variant.
Genome position (GRCh38, 1-based): chr19:6,833,532, A>G. VCF-style: chr19-6833532-A-G. GRCh37 (hg19) VCF-style: chr19-6833543-A-G.
Other names: c.1615A>G, p.Thr539Ala (NM_001258206.2); c.1519A>G, p.Thr507Ala (NM_001258207.2); c.1615A>G (NM_005428.2); short protein forms T507A, T539A.
Identifiers: ClinVar variation 1432918 (VCV001432918.34), dbSNP rs61750003, ClinGen allele CA9132661.

ClinVar aggregate classification (germline): Conflicting classifications of pathogenicity. Review status: criteria provided, conflicting classifications (1 of 4 stars). 3 submissions from 3 submitters: Uncertain significance (2); Likely benign (1). Last evaluated 2025-12-24.

Allele frequency attached by ClinVar (database versions not stated): gnomAD exomes 0.00043 and 0.00089; ExAC 0.00046; ESP Exome Variant Server 0.00046; gnomAD 0.00050 and 0.00053; TOPMed 0.00053; 1000 Genomes Project 30x 0.00016; 1000 Genomes Project 0.00020.
gnomAD v4.1: 1,327 of 1,602,064 alleles (0.083%); highest among the groups gnomAD compares: Non-Finnish European, 0.11%; 1 homozygote.

Submissions (3):

Labcorp Genetics (formerly Invitae), Labcorp
Classification: Uncertain significance. Last evaluated: 2025-12-24. Review status: criteria provided, single submitter. Criteria: Invitae Variant Classification Sherloc (09022015). Collection method: clinical testing. Allele origin: germline.
Comment: This sequence change replaces threonine, which is neutral and polar, with alanine, which is neutral and non-polar, at codon 539 of the VAV1 protein (p.Thr539Ala). This variant is present in population databases (rs61750003, gnomAD 0.09%), and has an allele count higher than expected for a pathogenic variant. This variant has not been reported in the literature in individuals affected with VAV1-related conditions. ClinVar contains an entry for this variant (Variation ID: 1432918). An algorithm developed to predict the effect of missense changes on protein structure and function (PolyPhen-2) suggests that this variant is likely to be tolerated. In summary, the available evidence is currently insufficient to determine the role of this variant in disease. Therefore, it has been classified as a Variant of Uncertain Significance.

Ambry Genetics
Classification: Uncertain significance. Last evaluated: 2023-12-30. Review status: criteria provided, single submitter. Criteria: Ambry Variant Classification Scheme 2023. Collection method: clinical testing. Allele origin: germline.

CeGaT Center for Human Genetics Tuebingen
Classification: Likely benign. Last evaluated: 2023-08-01. Review status: criteria provided, single submitter. Criteria: CeGaT Center For Human Genetics Tuebingen Variant Classification Criteria Version 2. Collection method: clinical testing. Allele origin: germline. Affected: yes. Observed: 2 variant alleles.
Comment: VAV1: BP4, BS1